The following is an entry in ClinVar:

ClinVar aggregate classification (germline): Likely benign (1 of 4 stars; one submission).

Submission:

CeGaT Center for Human Genetics Tuebingen
Classification: Likely benign. Last evaluated: 2026-05-01. Review status: criteria provided, single submitter. Criteria: CeGaT Center For Human Genetics Tuebingen Variant Classification Criteria Version 2. Collection method: clinical testing. Allele origin: germline. Affected: yes. Observed: 1 variant allele.
Comment: NUTM2B-AS1: BS2

NC_000010.11:g.79825660G>A

Gene: NUTM2B-AS1 (NUTM2B antisense RNA 1; minus strand). Cytogenetic location: 10q22.3.
Variant type: single nucleotide variant.
Genome position: GRCh38 VCF-style: chr10-79825660-G-A. GRCh37 (hg19) VCF-style: chr10-81585416-G-A.
Identifiers: ClinVar variation 4872360 (VCV004872360.2).